The following is an entry in ClinVar:

NM_018136.5(ASPM):c.1525_1526insCCC (p.Asn508_Gln509insPro)

Gene: ASPM (assembly factor for spindle microtubules; minus strand). Cytogenetic location: 1q31.3.
Variant type: Insertion.
Coding change: c.1525_1526insCCC on transcript NM_018136.5 (MANE Select); coding-DNA positions 1525 to 1526, CCC inserted.
Protein change: p.Asn508_Gln509insPro.
Molecular consequence: inframe insertion.
Genome position: GRCh38 VCF-style: chr1-197142726-T-TGGG. GRCh37 (hg19) VCF-style: chr1-197111856-T-TGGG.
Other names: c.1525_1526insCCC, p.Asn508_Gln509insPro (NM_001206846.2).
Identifiers: ClinVar variation 5005513 (VCV005005513.2).
Genomic context (GRCh38, chr1:197,142,726, plus strand): 5'-TCATGTTCACCCACTGCACTGTTGAGACATCTTTTTGCTTTTGGTTTATTAATCTCAGTT[T>TGGG]GGTTTTCTCTGGTACAGGTGGCCTTCCTTTTAGTAACAGTGGCAGAAAGTATTGGACGTC-3'

ClinVar aggregate classification (germline): Uncertain significance (1 of 4 stars; one submission).

Conditions:
Microcephaly 5, primary, autosomal recessive (MCPH5). Also called: ASPM Primary Microcephaly. Identifiers: Orphanet 2512, MedGen C1837501, MONDO:0012106, OMIM 608716.

Submission:

Juno Genomics, Hangzhou Juno Genomics, Inc
Classification: Uncertain significance for Microcephaly 5, primary, autosomal recessive. Review status: criteria provided, single submitter. Criteria: ACMG Guidelines, 2015. Collection method: clinical testing. Allele origin: germline.
Comment: Absent from controls (or at extremely low frequency if recessive) in Genome Aggregation Database.;Protein length changes due to in-frame deletions/insertions in a non-repeat region or stop-loss variants.